The following is an entry in ClinVar:

ClinVar aggregate classification (germline): Uncertain significance (1 of 4 stars; one submission).

Submission:

Labcorp Genetics (formerly Invitae), Labcorp
Classification: Uncertain significance. Last evaluated: 2024-05-21. Review status: criteria provided, single submitter. Criteria: Invitae Variant Classification Sherloc (09022015). Collection method: clinical testing. Allele origin: germline.
Comment: This sequence change replaces glycine, which is neutral and non-polar, with aspartic acid, which is acidic and polar, at codon 1478 of the ADGRV1 protein (p.Gly1478Asp). This variant is not present in population databases (gnomAD no frequency). This variant has not been reported in the literature in individuals affected with ADGRV1-related conditions. ClinVar contains an entry for this variant (Variation ID: 1974697). Advanced modeling of protein sequence and biophysical properties (such as structural, functional, and spatial information, amino acid conservation, physicochemical variation, residue mobility, and thermodynamic stability) has been performed at Invitae for this missense variant, however the output from this modeling did not meet the statistical confidence thresholds required to predict the impact of this variant on ADGRV1 protein function. In summary, the available evidence is currently insufficient to determine the role of this variant in disease. Therefore, it has been classified as a Variant of Uncertain Significance.

NM_032119.4(ADGRV1):c.4433G>A (p.Gly1478Asp)

Gene: ADGRV1 (adhesion G protein-coupled receptor V1; plus strand). Cytogenetic location: 5q14.3.
Variant type: single nucleotide variant.
Coding change: c.4433G>A on transcript NM_032119.4 (MANE Select); coding-DNA position 4433, G replaced by A.
Protein change: p.Gly1478Asp; replaces glycine 1478 with aspartic acid.
Molecular consequence: missense variant. On other transcripts: non-coding transcript variant (1).
Genome position (GRCh38, 1-based): chr5:90,657,959, G>A. VCF-style: chr5-90657959-G-A. GRCh37 (hg19) VCF-style: chr5-89953776-G-A.
Other names: short protein forms G1478D.
Identifiers: ClinVar variation 1974697 (VCV001974697.5), dbSNP rs1769661182, ClinGen allele CA360403539.